The following is an entry in ClinVar:

NM_004260.4(RECQL4):c.1931C>A (p.Ala644Asp)

Gene: RECQL4 (RecQ like helicase 4; minus strand). Cytogenetic location: 8q24.3.
Variant type: single nucleotide variant.
Coding change: c.1931C>A on transcript NM_004260.4 (MANE Select); coding-DNA position 1931, C replaced by A.
Protein change: p.Ala644Asp; replaces alanine 644 with aspartic acid.
Molecular consequence: missense variant. On other transcripts: non-coding transcript variant (3).
Genome position (GRCh38, 1-based): chr8:144,514,055, G>T on the plus strand (C>A on the coding strand, the complement: RECQL4 is on the minus strand). VCF-style: chr8-144514055-G-T. GRCh37 (hg19) VCF-style: chr8-145739439-G-T.
Other names: c.1580C>A, p.Ala527Asp (NM_001413029.1); c.794C>A, p.Ala265Asp (NM_001413030.1, NM_001413032.1, NM_001413027.1 and 1 more transcripts); c.662C>A, p.Ala221Asp (NM_001413031.1); c.1799C>A, p.Ala600Asp (NM_001413033.1); c.860C>A, p.Ala287Asp (NM_001413034.1, NM_001413035.1, NM_001413021.1 and 6 more transcripts); c.1931C>A, p.Ala644Asp (NM_001413036.1, NM_001413018.1, NM_001413019.1); c.728C>A, p.Ala243Asp (NM_001413037.1); c.1835C>A, p.Ala612Asp (NM_001413017.1, NM_001413020.1); and 4 more; short protein forms A155D, A243D, A601D, A277D, A612D, A644D, A221D, A265D.
Identifiers: ClinVar variation 2766362 (VCV002766362.3), dbSNP rs2130692042, ClinGen allele CA372680464.

ClinVar aggregate classification (germline): Uncertain significance (1 of 4 stars; one submission).

Conditions:
Baller-Gerold syndrome (BGS). Also called: CRANIOSYNOSTOSIS WITH RADIAL DEFECTS. Identifiers: Orphanet 1225, MedGen C0265308, MONDO:0009039, OMIM 218600.

Submission:

Labcorp Genetics (formerly Invitae), Labcorp
Classification: Uncertain significance for Baller-Gerold syndrome. Last evaluated: 2023-10-06. Review status: criteria provided, single submitter. Criteria: Invitae Variant Classification Sherloc (09022015). Collection method: clinical testing. Allele origin: germline.
Comment: This sequence change replaces alanine, which is neutral and non-polar, with aspartic acid, which is acidic and polar, at codon 644 of the RECQL4 protein (p.Ala644Asp). This variant is not present in population databases (gnomAD no frequency). This variant has not been reported in the literature in individuals affected with RECQL4-related conditions. Advanced modeling of protein sequence and biophysical properties (such as structural, functional, and spatial information, amino acid conservation, physicochemical variation, residue mobility, and thermodynamic stability) performed at Invitae indicates that this missense variant is expected to disrupt RECQL4 protein function. In summary, the available evidence is currently insufficient to determine the role of this variant in disease. Therefore, it has been classified as a Variant of Uncertain Significance.